The following is an entry in ClinVar:

ClinVar aggregate classification (germline): Uncertain significance. Review status: criteria provided, multiple submitters, no conflicts (2 of 4 stars). 2 submissions from 2 submitters: Uncertain significance (2). Last evaluated 2026-06-20.

Conditions:
Hereditary hemorrhagic telangiectasia (HHT). Also called: ORW DISEASE; Osler Weber Rendu syndrome; OSLER-RENDU-WEBER DISEASE; Osler hemorrhagic telangiectasia syndrome. Identifiers: Orphanet 774, MedGen C0039445, MONDO:0019180. Disease mechanism: loss of function.
Cardiovascular phenotype. Identifiers: MedGen CN230736.

Allele frequency attached by ClinVar (database versions not stated): gnomAD exomes below 0.00001.

Submissions (2):

Ambry Genetics
Classification: Uncertain significance for Cardiovascular phenotype. Last evaluated: 2026-06-20. Review status: criteria provided, single submitter. Criteria: Ambry Variant Classification Scheme 2023. Collection method: clinical testing. Allele origin: germline.
Comment: The p.M183I variant (also known as c.549G>A), located in coding exon 5 of the ENG gene, results from a G to A substitution at nucleotide position 549. The methionine at codon 183 is replaced by isoleucine, an amino acid with highly similar properties. This amino acid position is conserved. In addition, this alteration is predicted to be tolerated by in silico analysis. Based on the available evidence, the clinical significance of this variant remains unclear.

Labcorp Genetics (formerly Invitae), Labcorp
Classification: Uncertain significance for Hereditary hemorrhagic telangiectasia. Last evaluated: 2022-10-23. Review status: criteria provided, single submitter. Criteria: Invitae Variant Classification Sherloc (09022015). Collection method: clinical testing. Allele origin: germline.
Comment: This sequence change replaces methionine, which is neutral and non-polar, with isoleucine, which is neutral and non-polar, at codon 183 of the ENG protein (p.Met183Ile). This variant is not present in population databases (gnomAD no frequency). This variant has not been reported in the literature in individuals affected with ENG-related conditions. Advanced modeling of protein sequence and biophysical properties (such as structural, functional, and spatial information, amino acid conservation, physicochemical variation, residue mobility, and thermodynamic stability) performed at Invitae indicates that this missense variant is not expected to disrupt ENG protein function. In summary, the available evidence is currently insufficient to determine the role of this variant in disease. Therefore, it has been classified as a Variant of Uncertain Significance.

NM_001114753.3(ENG):c.549G>A (p.Met183Ile)

Gene: ENG (endoglin; minus strand). Cytogenetic location: 9q34.11.
Variant type: single nucleotide variant.
Coding change: c.549G>A on transcript NM_001114753.3 (MANE Select); coding-DNA position 549, G replaced by A.
Protein change: p.Met183Ile; replaces methionine 183 with isoleucine.
Molecular consequence: missense variant. On other transcripts: initiator codon variant (1).
Genome position (GRCh38, 1-based): chr9:127,825,835, C>T on the plus strand (G>A on the coding strand, the complement: ENG is on the minus strand). VCF-style: chr9-127825835-C-T. GRCh37 (hg19) VCF-style: chr9-130588114-C-T.
Other names: c.549G>A (NM_001114753.1); c.549G>A, p.Met183Ile (NM_000118.4, NM_001406715.1); c.3G>A, p.Met1Ile (NM_001278138.2); short protein forms M183I, M1I.
Identifiers: ClinVar variation 1987285 (VCV001987285.6), dbSNP rs1309473640, ClinGen allele CA374983755.